The following is an entry in ClinVar:

NM_021008.4(DEAF1):c.737G>C (p.Arg246Thr)

Gene: DEAF1 (DEAF1 transcription factor; minus strand). Cytogenetic location: 11p15.5.
Variant type: single nucleotide variant.
Coding change: c.737G>C on transcript NM_021008.4 (MANE Select); coding-DNA position 737, G replaced by C.
Protein change: p.Arg246Thr; replaces arginine 246 with threonine.
Molecular consequence: missense variant. On other transcripts: intron variant (1).
Genome position (GRCh38, 1-based): chr11:686,925, C>G on the plus strand (G>C on the coding strand, the complement: DEAF1 is on the minus strand). VCF-style: chr11-686925-C-G. GRCh37 (hg19) VCF-style: chr11-686925-C-G.
Other names: c.11G>C, p.Arg4Thr (NM_001440886.1, NM_001440887.1, NM_001367390.1 and 1 more transcripts); c.664+986G>C (NM_001293634.2); c.737G>C, p.Arg246Thr (NM_001440883.1, NM_001440884.1); short protein forms R246T, R4T.
Identifiers: ClinVar variation 437396 (VCV000437396.5), dbSNP rs1554944271, ClinGen allele CA378932296.

ClinVar aggregate classification (germline): Pathogenic/Likely pathogenic. Review status: criteria provided, multiple submitters, no conflicts (2 of 4 stars). 3 submissions from 3 submitters: Pathogenic (1); Likely pathogenic (2). Last evaluated 2025-07-09.

Conditions:
Intellectual disability, autosomal dominant 24 (VSVS). Also called: VULTO-VAN SILFHOUT-DE VRIES SYNDROME. Identifiers: MedGen C4014414, MONDO:0014357, OMIM 615828.

Submissions (3):

3billion
Classification: Likely pathogenic for Intellectual disability, autosomal dominant 24. Last evaluated: 2025-07-09. Review status: criteria provided, single submitter. Criteria: ACMG Guidelines, 2015. Collection method: clinical testing. Allele origin: germline. Affected: yes.
Comment: The variant is not observed in the gnomAD v4.1.0 dataset. Predicted Consequence/Location: Missense variant In silico tool predictions suggest damaging effect of the variant on gene or gene product [REVEL: 0.62 (>=0.6, sensitivity 0.68 and specificity 0.92); 3Cnet: 0.85 (> 0.75, sensitivity 0.96 and precision 0.92)]. The same nucleotide change resulting in the same amino acid change has been previously reported as pathogenic/likely pathogenic with strong evidence (ClinVar ID: VCV000437396 /PMID: 27441994). A different missense change at the same codon (p.Arg246Lys) has been reported to be associated with DEAF1-related disorder (ClinVar ID: VCV002809336). Therefore, this variant is classified as Likely pathogenic according to the recommendation of ACMG/AMP guideline.

Genetics and Molecular Pathology, SA Pathology
Classification: Pathogenic for Intellectual disability, autosomal dominant 24. Last evaluated: 2021-05-25. Review status: criteria provided, single submitter. Criteria: ACMG Guidelines, 2015. Collection method: clinical testing. Allele origin: germline. Inheritance: Autosomal dominant inheritance. Affected: yes.
Comment: The DEAF1 c.737G>C variant is a single nucleotide change in exon 5 of the DEAF1 gene, which is predicted to change the amino acid arginine at position 246 in the protein to threonine. Functional studies have shown reduced transcriptional repression activity and decreased binding to dsDNA compared with wild type (PS3_moderate; PMID:28940898). This variant has not been reported in dbSNP and is absent from population databases (PM2). This variant has been reported in ClinVar as likely pathogenic for mental retardation by another diagnostic laboratory (ClinVar Variation ID: 437396), and in HMGD as damaging for mental retardation 24 (CM171837). Computational predictions support a deleterious effect on the gene or gene product (PP3). The DEAF1 c.737G>C variant is classified as PATHOGENIC (PM2, PP3, PS2, PS3_moderate, PS4_supporting)

Baylor Genetics
Classification: Likely pathogenic for Intellectual disability, autosomal dominant 24. Last evaluated: 2015-10-02. Review status: criteria provided, single submitter. Criteria: ACMG Guidelines, 2015. Collection method: clinical testing. Allele origin: de novo. Inheritance: Autosomal dominant inheritance. Affected: yes. Observed: 1 variant allele, 1 heterozygote.

Literature cited by the submitters: PubMed 27441994 (cited by 3billion); PubMed 28940898 (cited by Genetics and Molecular Pathology, SA Pathology and Baylor Genetics).